The following is an entry in ClinVar:

ClinVar aggregate classification (germline): Pathogenic (1 of 4 stars; one submission).

Submission:

Labcorp Genetics (formerly Invitae), Labcorp
Classification: Pathogenic. Last evaluated: 2024-06-29. Review status: criteria provided, single submitter. Criteria: Invitae Variant Classification Sherloc (09022015). Collection method: clinical testing. Allele origin: germline.
Comment: This sequence change creates a premature translational stop signal (p.Gln123*) in the ALOXE3 gene. It is expected to result in an absent or disrupted protein product. Loss-of-function variants in ALOXE3 are known to be pathogenic (PMID: 11773004, 19890349, 27025581). This variant is present in population databases (rs757802969, gnomAD 0.02%). This variant has not been reported in the literature in individuals affected with ALOXE3-related conditions. Algorithms developed to predict the effect of sequence changes on RNA splicing suggest that this variant may disrupt the consensus splice site. For these reasons, this variant has been classified as Pathogenic.

Literature cited by the submitters: PubMed 11773004; PubMed 19890349; PubMed 27025581.

NM_021628.3(ALOXE3):c.367C>T (p.Gln123Ter)

Gene: ALOXE3 (arachidonate epidermal lipoxygenase 3; minus strand). Cytogenetic location: 17p13.1.
Variant type: single nucleotide variant.
Coding change: c.367C>T on transcript NM_021628.3 (MANE Select); coding-DNA position 367, C replaced by T.
Protein change: p.Gln123Ter; replaces glutamine 123 with a stop codon.
Molecular consequence: nonsense.
Genome position (GRCh38, 1-based): chr17:8,115,674, G>A on the plus strand (C>T on the coding strand, the complement: ALOXE3 is on the minus strand). VCF-style: chr17-8115674-G-A. GRCh37 (hg19) VCF-style: chr17-8018992-G-A.
Other names: c.763C>T, p.Gln255Ter (NM_001165960.1); c.367C>T, p.Gln123Ter (NM_001369446.1); short protein forms Q123*, Q255*.
Identifiers: ClinVar variation 3680649 (VCV003680649.3).